The following is an entry in ClinVar:

NM_001042492.3(NF1):c.6922-13T>C

Gene: NF1 (neurofibromin 1; plus strand). Cytogenetic location: 17q11.2.
Variant type: single nucleotide variant.
Coding change: c.6922-13T>C on transcript NM_001042492.3 (MANE Select); 13 bases into the intron before coding-DNA position 6922, T replaced by C.
Molecular consequence: intron variant.
Genome position (GRCh38, 1-based): chr17:31,340,492, T>C. VCF-style: chr17-31340492-T-C. GRCh37 (hg19) VCF-style: chr17-29667510-T-C.
Other names: c.6859-13T>C (NM_000267.4).
Identifiers: ClinVar variation 1327365 (VCV001327365.10), dbSNP rs199901687, ClinGen allele CA289390043.

ClinVar aggregate classification (germline): Conflicting classifications of pathogenicity. Review status: criteria provided, conflicting classifications (1 of 4 stars). 3 submissions from 3 submitters: Uncertain significance (1); Likely benign (2). Last evaluated 2026-05-13.

Conditions:
Neurofibromatosis, type 1 (NF1). Also called: Peripheral type neurofibromatosis; NEUROFIBROMATOSIS, TYPE I, SOMATIC; VON RECKLINGHAUSEN DISEASE; Neurofibromatosis, type I. Identifiers: Orphanet 636, MedGen C0027831, MONDO:0018975, OMIM 162200. Disease mechanism: loss of function.

Allele frequency attached by ClinVar (database versions not stated): gnomAD 0.00001; TOPMed 0.00001; gnomAD exomes 0.00002.
gnomAD v4.1: 9 of 1,614,084 alleles (0.00056%); highest among the groups gnomAD compares: South Asian, 0.0044%; no homozygotes.

Submissions (3):

Myriad Genetics, Inc.
Classification: Likely benign for Neurofibromatosis, type 1. Last evaluated: 2026-05-13. Review status: criteria provided, single submitter. Criteria: Myriad Autosomal Dominant, Autosomal Recessive and X-Linked Classification Criteria (2023). Collection method: clinical testing. Allele origin: unknown.
Comment: This variant is considered likely benign. This variant is intronic and is not expected to impact mRNA splicing.

Labcorp Genetics (formerly Invitae), Labcorp
Classification: Likely benign for Neurofibromatosis, type 1. Last evaluated: 2025-11-09. Review status: criteria provided, single submitter. Criteria: Invitae Variant Classification Sherloc (09022015). Collection method: clinical testing. Allele origin: germline.

GeneDx
Classification: Uncertain significance. Last evaluated: 2021-06-01. Review status: criteria provided, single submitter. Criteria: GeneDx Variant Classification Process June 2021. Collection method: clinical testing. Allele origin: germline. Affected: yes.
Comment: Has not been previously published as pathogenic or benign to our knowledge; In-silico analysis, which includes splice predictors and evolutionary conservation, is inconclusive as to whether the variant alters gene splicing. In the absence of RNA/functional studies, the actual effect of this sequence change is unknown.